The following is an entry in ClinVar:

ClinVar aggregate classification (germline): Pathogenic (1 of 4 stars; one submission).

Submission:

GeneDx
Classification: Pathogenic. Last evaluated: 2016-10-06. Review status: criteria provided, single submitter. Criteria: GeneDx Variant Classification (06012015). Collection method: clinical testing. Allele origin: germline. Affected: yes.
Comment: The c.2431_2435delATGGAinsTGGG variant in the EHMT1 gene has not been reported previously as a pathogenic variant nor as a benign variant, to our knowledge. The c.2431_2435delATGGAinsTGGG variant replaces 5 nucleotides with 4 incorrect nucleotides, causing frameshift starting with codon Methionine 811, changes this amino acid to a Tryptophan residue, and creates a premature Stop codon at position 12 of the new reading frame, denoted p.Met811TrpfsX12. This variant is predicted to cause loss of normal protein function either through protein truncation or nonsense-mediated mRNA decay. The c.2431_2435delATGGAinsTGGG variant was not observed in approximately 6500 individuals of European and African American ancestry in the NHLBI Exome Sequencing Project, indicating it is not a common benign variant in these populations. We interpret c.2431_2435delATGGAinsTGGG as a pathogenic variant

NM_024757.5(EHMT1):c.2431_2435delinsTGGG (p.Met811fs)

Gene: EHMT1 (euchromatic histone lysine methyltransferase 1; plus strand). Cytogenetic location: 9q34.3.
Variant type: Indel.
Coding change: c.2431_2435delinsTGGG on transcript NM_024757.5 (MANE Select); coding-DNA positions 2431 to 2435, ATGGA replaced by TGGG.
Protein change: p.Met811fs; shifts the reading frame from methionine 811.
Molecular consequence: frameshift variant.
Genome position (GRCh38, 1-based): chr9:137,790,896-137,790,900, ATGGA replaced by TGGG. VCF-style: chr9-137790896-ATGGA-TGGG. GRCh37 (hg19) VCF-style: chr9-140685348-ATGGA-TGGG.
Other names: c.2338_2342delinsTGGG, p.Met780fs (NM_001354259.2); c.2410_2414delinsTGGG, p.Met804fs (NM_001354263.2); short protein forms M780fs, M811fs, M804fs.
Identifiers: ClinVar variation 280934 (VCV000280934.2), dbSNP rs886042048, ClinGen allele CA10603187.